The following is an entry in ClinVar:

NM_000036.3(AMPD1):c.835G>A (p.Glu279Lys)

Gene: AMPD1 (adenosine monophosphate deaminase 1; minus strand). Cytogenetic location: 1p13.2.
Variant type: single nucleotide variant.
Coding change: c.835G>A on transcript NM_000036.3 (MANE Select); coding-DNA position 835, G replaced by A.
Protein change: p.Glu279Lys; replaces glutamic acid 279 with lysine.
Molecular consequence: missense variant.
Genome position (GRCh38, 1-based): chr1:114,679,641, C>T on the plus strand (G>A on the coding strand, the complement: AMPD1 is on the minus strand). VCF-style: chr1-114679641-C-T. GRCh37 (hg19) VCF-style: chr1-115222262-C-T.
Other names: c.823G>A, p.Glu275Lys (NM_001172626.2); short protein forms E279K, E275K.
Identifiers: ClinVar variation 1463405 (VCV001463405.5), dbSNP rs777934972, ClinGen allele CA1020294.

ClinVar aggregate classification (germline): Uncertain significance (1 of 4 stars; one submission).

Conditions:
Muscle AMP deaminase deficiency (MMDD). Also called: Myoadenylate deaminase deficiency, myopathy due to; Adenosine monophosphate deaminase 1 deficiency; AMP deaminase 1 deficiency; Adenosine Monophosphate Deaminase 1; AMPD1 DEFICIENCY; ADENOSINE MONOPHOSPHATE DEAMINASE-1 DEFICIENCY, MYOPATHY DUE TO. Identifiers: Orphanet 45, MedGen C3714933, MONDO:0014220, OMIM 615511.

Allele frequency attached by ClinVar (database versions not stated): TOPMed below 0.00001; gnomAD exomes 0.00001 and 0.00002; ExAC 0.00003.
gnomAD v4.1: 11 of 1,613,884 alleles (0.00068%); highest among the groups gnomAD compares: Middle Eastern, 0.016%; no homozygotes.

Submission:

Labcorp Genetics (formerly Invitae), Labcorp
Classification: Uncertain significance for Muscle AMP deaminase deficiency. Last evaluated: 2024-10-29. Review status: criteria provided, single submitter. Criteria: Invitae Variant Classification Sherloc (09022015). Collection method: clinical testing. Allele origin: germline.
Comment: This sequence change replaces glutamic acid, which is acidic and polar, with lysine, which is basic and polar, at codon 312 of the AMPD1 protein (p.Glu312Lys). This variant is present in population databases (rs777934972, gnomAD 0.004%). This variant has not been reported in the literature in individuals affected with AMPD1-related conditions. ClinVar contains an entry for this variant (Variation ID: 1463405). Invitae Evidence Modeling of protein sequence and biophysical properties (such as structural, functional, and spatial information, amino acid conservation, physicochemical variation, residue mobility, and thermodynamic stability) has been performed for this missense variant. However, the output from this modeling did not meet the statistical confidence thresholds required to predict the impact of this variant on AMPD1 protein function. In summary, the available evidence is currently insufficient to determine the role of this variant in disease. Therefore, it has been classified as a Variant of Uncertain Significance.